The following is an entry in ClinVar:

NM_005502.4(ABCA1):c.3103+1G>C

Gene: ABCA1 (ATP binding cassette subfamily A member 1; minus strand). Cytogenetic location: 9q31.1.
Variant type: single nucleotide variant.
Coding change: c.3103+1G>C on transcript NM_005502.4 (MANE Select); the canonical splice donor site of the intron after coding-DNA position 3103, G replaced by C.
Molecular consequence: splice donor variant.
Genome position (GRCh38, 1-based): chr9:104,819,926, C>G on the plus strand (G>C on the coding strand, the complement: ABCA1 is on the minus strand). VCF-style: chr9-104819926-C-G. GRCh37 (hg19) VCF-style: chr9-107582207-C-G.
Identifiers: ClinVar variation 3063714 (VCV003063714.1), dbSNP rs2538140303, ClinGen allele CA374319468.

ClinVar aggregate classification (germline): Likely pathogenic (1 of 4 stars; one submission).

Conditions:
Tangier disease (TGD). Also called: Cholesterol thesaurismosis; HIGH DENSITY LIPOPROTEIN DEFICIENCY, TANGIER TYPE; HIGH DENSITY LIPOPROTEIN DEFICIENCY, TYPE 1. Identifiers: Orphanet 31150, MedGen C0039292, MONDO:0008783, OMIM 205400.

Submission:

Women's Health and Genetics/Laboratory Corporation of America, LabCorp
Classification: Likely pathogenic for Tangier disease. Last evaluated: 2024-01-03. Review status: criteria provided, single submitter. Criteria: LabCorp Variant Classification Summary - May 2015. Collection method: clinical testing. Allele origin: germline.
Comment: Variant summary: ABCA1 c.3103+1G>C is located in a canonical splice-site and is predicted to affect mRNA splicing resulting in a significantly altered protein due to either exon skipping, shortening, or inclusion of intronic material. Several computational tools predict a significant impact on normal splicing: Four predict the variant abolishes a 5' splicing donor site. However, these predictions have yet to be confirmed by functional studies. The variant was absent in 250408 control chromosomes. To our knowledge, no occurrence of c.3103+1G>C in individuals affected with Tangier Disease and no experimental evidence demonstrating its impact on protein function have been reported. No submitters have cited clinical-significance assessments for this variant to ClinVar after 2014. Based on the evidence outlined above, the variant was classified as likely pathogenic.